The following is an entry in ClinVar:

ClinVar aggregate classification (germline): Uncertain significance (1 of 4 stars; one submission).

Allele frequency attached by ClinVar (database versions not stated): TOPMed below 0.00001; ExAC 0.00002; gnomAD exomes 0.00001.
gnomAD v4.1: 10 of 1,613,492 alleles (0.00062%); highest among the groups gnomAD compares: Admixed American, 0.0033%; no homozygotes.

Submission:

Labcorp Genetics (formerly Invitae), Labcorp
Classification: Uncertain significance. Last evaluated: 2021-09-01. Review status: criteria provided, single submitter. Criteria: Invitae Variant Classification Sherloc (09022015). Collection method: clinical testing. Allele origin: germline.
Comment: This sequence change replaces threonine with isoleucine at codon 2114 of the USH2A protein (p.Thr2114Ile). The threonine residue is highly conserved and there is a moderate physicochemical difference between threonine and isoleucine. This variant is present in population databases (rs777813142, ExAC 0.009%). This variant has not been reported in the literature in individuals affected with USH2A-related conditions. Algorithms developed to predict the effect of missense changes on protein structure and function are either unavailable or do not agree on the potential impact of this missense change (SIFT: "Deleterious"; PolyPhen-2: "Possibly Damaging"; Align-GVGD: "Class C15"). In summary, the available evidence is currently insufficient to determine the role of this variant in disease. Therefore, it has been classified as a Variant of Uncertain Significance.

NM_206933.4(USH2A):c.6341C>T (p.Thr2114Ile)

Gene: USH2A (usherin; minus strand). Cytogenetic location: 1q41.
Variant type: single nucleotide variant.
Coding change: c.6341C>T on transcript NM_206933.4 (MANE Select); coding-DNA position 6341, C replaced by T.
Protein change: p.Thr2114Ile; replaces threonine 2114 with isoleucine.
Molecular consequence: missense variant.
Genome position (GRCh38, 1-based): chr1:216,000,547, G>A on the plus strand (C>T on the coding strand, the complement: USH2A is on the minus strand). VCF-style: chr1-216000547-G-A. GRCh37 (hg19) VCF-style: chr1-216173889-G-A.
Other names: short protein forms T2114I.
Identifiers: ClinVar variation 1023333 (VCV001023333.6), dbSNP rs777813142, ClinGen allele CA1395164.